The following is an entry in ClinVar:

NM_198253.3(TERT):c.2027T>G (p.Leu676Arg)

Gene: TERT (telomerase reverse transcriptase; minus strand). Cytogenetic location: 5p15.33.
Variant type: single nucleotide variant.
Coding change: c.2027T>G on transcript NM_198253.3 (MANE Select); coding-DNA position 2027, T replaced by G.
Protein change: p.Leu676Arg; replaces leucine 676 with arginine.
Molecular consequence: missense variant. On other transcripts: non-coding transcript variant (2).
Genome position (GRCh38, 1-based): chr5:1,279,394, A>C on the plus strand (T>G on the coding strand, the complement: TERT is on the minus strand). VCF-style: chr5-1279394-A-C. GRCh37 (hg19) VCF-style: chr5-1279509-A-C.
Other names: c.2027T>G, p.Leu676Arg (NM_001193376.3, NM_003219.1); short protein forms L676R.
Identifiers: ClinVar variation 1784678 (VCV001784678.2), dbSNP rs2478276010, ClinGen allele CA359080357.

ClinVar aggregate classification (germline): Uncertain significance (1 of 4 stars; one submission).

Conditions:
Dyskeratosis congenita. Identifiers: Orphanet 1775, MedGen C0265965, MONDO:0015780.

Submission:

Ambry Genetics
Classification: Uncertain significance for Dyskeratosis congenita. Last evaluated: 2022-01-18. Review status: criteria provided, single submitter. Criteria: Ambry Variant Classification Scheme 2023. Collection method: clinical testing. Allele origin: germline.
Comment: The p.L676R variant (also known as c.2027T>G), located in coding exon 5 of the TERT gene, results from a T to G substitution at nucleotide position 2027. The leucine at codon 676 is replaced by arginine, an amino acid with dissimilar properties. This amino acid position is conserved. In addition, this alteration is predicted to be deleterious by in silico analysis. Since supporting evidence is limited at this time, the clinical significance of this alteration remains unclear.